The following is an entry in ClinVar:

NM_014283.5(SUCO):c.2624C>A (p.Ala875Asp)

Gene: SUCO (SUN domain containing ossification factor; plus strand). Cytogenetic location: 1q24.3.
Variant type: single nucleotide variant.
Coding change: c.2624C>A on transcript NM_014283.5 (MANE Select); coding-DNA position 2624, C replaced by A.
Protein change: p.Ala875Asp; replaces alanine 875 with aspartic acid.
Molecular consequence: missense variant. On other transcripts: intron variant (1).
Genome position (GRCh38, 1-based): chr1:172,589,725, C>A. VCF-style: chr1-172589725-C-A. GRCh37 (hg19) VCF-style: chr1-172558865-C-A.
Other names: c.935C>A, p.Ala312Asp (NM_001282751.2); c.3077C>A, p.Ala1026Asp (NM_016227.4); c.1712+801C>A (NM_001282750.2); short protein forms A875D, A1026D, A312D.
Identifiers: ClinVar variation 1992478 (VCV001992478.4), dbSNP rs757408631, ClinGen allele CA1247117.

ClinVar aggregate classification (germline): Uncertain significance (1 of 4 stars; one submission).

Allele frequency attached by ClinVar (database versions not stated): TOPMed below 0.00001.
gnomAD v4.1: 1 of 1,613,350 alleles (0.000062%); highest among the groups gnomAD compares: South Asian, 0.0011%; no homozygotes.

Submission:

Labcorp Genetics (formerly Invitae), Labcorp
Classification: Uncertain significance. Last evaluated: 2022-10-13. Review status: criteria provided, single submitter. Criteria: Invitae Variant Classification Sherloc (09022015). Collection method: clinical testing. Allele origin: germline.
Comment: This sequence change replaces alanine, which is neutral and non-polar, with aspartic acid, which is acidic and polar, at codon 875 of the SUCO protein (p.Ala875Asp). This variant is present in population databases (rs757408631, gnomAD 0.003%). This variant has not been reported in the literature in individuals affected with SUCO-related conditions. Algorithms developed to predict the effect of missense changes on protein structure and function are either unavailable or do not agree on the potential impact of this missense change (SIFT: "Deleterious"; PolyPhen-2: "Benign"; Align-GVGD: "Class C0"). In summary, the available evidence is currently insufficient to determine the role of this variant in disease. Therefore, it has been classified as a Variant of Uncertain Significance.